The following is an entry in ClinVar:

NM_000195.5(HPS1):c.1928G>A (p.Gly643Glu)

Gene: HPS1 (HPS1 biogenesis of lysosomal organelles complex 3 subunit 1; minus strand). Cytogenetic location: 10q24.2.
Variant type: single nucleotide variant.
Coding change: c.1928G>A on transcript NM_000195.5 (MANE Select); coding-DNA position 1928, G replaced by A.
Protein change: p.Gly643Glu; replaces glycine 643 with glutamic acid.
Molecular consequence: missense variant.
Genome position (GRCh38, 1-based): chr10:98,418,187, C>T on the plus strand (G>A on the coding strand, the complement: HPS1 is on the minus strand). VCF-style: chr10-98418187-C-T. GRCh37 (hg19) VCF-style: chr10-100177944-C-T.
Other names: p.Gly643Glu; c.956G>A, p.Gly319Glu (NM_001311345.2, NM_001322487.2, NM_001322489.2); c.1928G>A, p.Gly643Glu (NM_001322476.2, NM_001322477.2); c.1829G>A, p.Gly610Glu (NM_001322478.2, NM_001322479.2); c.1667G>A, p.Gly556Glu (NM_001322480.2, NM_001322481.2); c.1568G>A, p.Gly523Glu (NM_001322482.2); c.1559G>A, p.Gly520Glu (NM_001322483.2, NM_001322484.2); c.1460G>A, p.Gly487Glu (NM_001322485.2); short protein forms G643E, G523E, G319E, G520E, G556E, G487E, G610E.
Identifiers: ClinVar variation 298337 (VCV000298337.24), dbSNP rs148225281, ClinGen allele CA5638838.

ClinVar aggregate classification (germline): Conflicting classifications of pathogenicity. Review status: criteria provided, conflicting classifications (1 of 4 stars). 8 submissions from 8 submitters: Uncertain significance (4); Likely benign (2). 2 of the submissions do not count toward it. Last evaluated 2026-02-04.

Conditions:
HPS1-related disorder. Also called: HPS1-related condition.
Hermansky-Pudlak syndrome 1 (HPS1). Also called: DELTA STORAGE POOL DISEASE. Identifiers: Orphanet 231500, Orphanet 79430, MedGen C2931875, MONDO:0008748, OMIM 203300.
Hermansky-Pudlak syndrome (HPS). Also called: ALBINISM WITH HEMORRHAGIC DIATHESIS AND PIGMENTED RETICULOENDOTHELIAL CELLS. Identifiers: Orphanet 79430, MedGen C0079504, MONDO:0019312.

Allele frequency attached by ClinVar (database versions not stated): gnomAD exomes 0.00026 and 0.00046; ExAC 0.00040; TOPMed 0.00041; gnomAD 0.00042; 1000 Genomes Project 30x 0.00109; ESP Exome Variant Server 0.00046; 1000 Genomes Project 0.00080.
gnomAD v4.1: 468 of 1,606,984 alleles (0.029%); highest among the groups gnomAD compares: Middle Eastern, 0.18%; no homozygotes.

Submissions (8):

Labcorp Genetics (formerly Invitae), Labcorp
Classification: Likely benign. Last evaluated: 2026-02-04. Review status: criteria provided, single submitter. Criteria: Invitae Variant Classification Sherloc (09022015). Collection method: clinical testing. Allele origin: germline.

Mayo Clinic Laboratories, Mayo Clinic
Classification: Likely benign. Last evaluated: 2025-09-11. Review status: criteria provided, single submitter. Criteria: ACMG Guidelines, 2015. Collection method: clinical testing. Allele origin: germline. Observed: 1 variant allele.
Comment: BS1, BP4_moderate

Blueprint Genetics
Classification: Uncertain significance. Last evaluated: 2024-11-01. Review status: criteria provided, single submitter. Criteria: ACMG Guidelines, 2015. Collection method: clinical testing. Allele origin: germline.

Women's Health and Genetics/Laboratory Corporation of America, LabCorp
Classification: Uncertain significance. Last evaluated: 2023-03-23. Review status: criteria provided, single submitter. Criteria: LabCorp Variant Classification Summary - May 2015. Collection method: clinical testing. Allele origin: germline.
Comment: Variant summary: HPS1 c.1928G>A (p.Gly643Glu) results in a non-conservative amino acid change located in the FUZ/MON1/HPS1, third Longin domain (IPR043970) of the encoded protein sequence. Three of five in-silico tools predict a benign effect of the variant on protein function. The variant allele was found at a frequency of 0.00046 in 248734 control chromosomes (gnomAD). This frequency is not significantly higher than estimated for a pathogenic variant in HPS1 causing Hermansky-Pudlak Syndrome (0.00046 vs 0.00096), allowing no conclusion about variant significance. c.1928G>A has been reported in the literature in an individual affected with severe eczema, allergic bronchopulmonary aspergillosis, bronchiectasis (example: Alsamri_2020). However, this individual als had a pathogenic variant in STAT3 (c.1979T>C, p.Met660Thr). These report(s) do not provide unequivocal conclusions about association of the variant with Hermansky-Pudlak Syndrome. To our knowledge, no experimental evidence demonstrating an impact on protein function has been reported. Four clinical diagnostic laboratories have submitted clinical-significance assessments for this variant to ClinVar after 2014 and classified the variant as VUS (n=3) and likely benign (n=1). Based on the evidence outlined above, the variant was classified as uncertain significance.

Genetic Services Laboratory, University of Chicago
Classification: Uncertain significance. Last evaluated: 2018-04-30. Review status: criteria provided, single submitter. Criteria: ACMG Guidelines, 2015. Collection method: clinical testing. Allele origin: germline. Affected: no.

Illumina Laboratory Services, Illumina
Classification: Uncertain significance for Hermansky-Pudlak syndrome 1. Last evaluated: 2018-01-13. Review status: criteria provided, single submitter. Criteria: ICSL Variant Classification Criteria 13 December 2019. Collection method: clinical testing. Allele origin: germline.

PreventionGenetics, part of Exact Sciences
Classification: Likely benign for HPS1-related condition. Last evaluated: 2023-01-20. Review status: no assertion criteria provided. Collection method: clinical testing. Allele origin: germline. Not counted in ClinVar's aggregate classification.
Comment: This variant is classified as likely benign based on ACMG/AMP sequence variant interpretation guidelines (Richards et al. 2015 PMID: 25741868, with internal and published modifications).

Natera, Inc.
Classification: Uncertain significance for Hermansky-Pudlak syndrome. Last evaluated: 2020-04-10. Review status: no assertion criteria provided. Collection method: clinical testing. Allele origin: germline. Not counted in ClinVar's aggregate classification.

Literature cited by the submitters: PubMed 32662942 (cited by Women's Health and Genetics/Laboratory Corporation of America, LabCorp).